The following is an entry in ClinVar:

ClinVar aggregate classification (germline): Likely benign (1 of 4 stars; one submission).

Submission:

CeGaT Center for Human Genetics Tuebingen
Classification: Likely benign. Last evaluated: 2025-04-01. Review status: criteria provided, single submitter. Criteria: CeGaT Center For Human Genetics Tuebingen Variant Classification Criteria Version 2. Collection method: clinical testing. Allele origin: germline. Affected: yes. Observed: 1 variant allele.
Comment: LIG3: PM2:Supporting, BP4, BP7

NM_013975.4(LIG3):c.1026A>G (p.Ala342=)

Gene: LIG3 (DNA ligase 3; plus strand). Cytogenetic location: 17q12.
Variant type: single nucleotide variant.
Coding change: c.1026A>G on transcript NM_013975.4 (MANE Select); coding-DNA position 1026, A replaced by G.
Protein change: p.Ala342=; no amino-acid change (alanine 342 retained).
Molecular consequence: synonymous variant.
Genome position (GRCh38, 1-based): chr17:34,991,099, A>G. VCF-style: chr17-34991099-A-G. GRCh37 (hg19) VCF-style: chr17-33318118-A-G.
Other names: c.1026A>G, p.Ala342= (NM_002311.5).
Identifiers: ClinVar variation 3898496 (VCV003898496.7).